The following is an entry in ClinVar:

NM_001042475.3(CEP85L):c.1437+64_1437+67del

Gene: CEP85L (centrosomal protein 85 like; minus strand). Cytogenetic location: 6q22.31.
Variant type: Microsatellite.
Coding change: c.1437+64_1437+67del on transcript NM_001042475.3 (MANE Select); bases 64 to 67 of the intron after coding-DNA position 1437, 4 bases deleted (TGTC; older notation c.1437+64_1437+67delTGTC).
Molecular consequence: intron variant. On other transcripts: 3 prime UTR variant (1).
Genome position (GRCh38, 1-based): chr6:118,491,619-118,491,622, GACA deleted on the plus strand (TGTC on the coding strand, the reverse complement: CEP85L is on the minus strand); deleting any 4 consecutive bases within chr6:118,491,619-118,491,626 gives the same sequence; the c. name uses the placement nearest the transcript's 3' end. VCF-style (leftmost placement, unchanged base first): chr6-118491618-TGACA-T. GRCh37 (hg19) VCF-style: chr6-118812781-TGACA-T.
Other names: c.*6TGTC[1] (NM_206921.3); c.1446+64_1446+67del (NM_001178035.2).
Identifiers: ClinVar variation 3060866 (VCV003060866.2), dbSNP rs1774578835, ClinGen allele CA1093660960.

ClinVar aggregate classification (germline): Likely benign (0 of 4 stars; one submission).

Conditions:
CEP85L-related disorder. Also called: CEP85L-related condition.

Submission:

PreventionGenetics, part of Exact Sciences
Classification: Likely benign for CEP85L-related condition. Last evaluated: 2022-12-01. Review status: no assertion criteria provided. Collection method: clinical testing. Allele origin: germline.
Comment: This variant is classified as likely benign based on ACMG/AMP sequence variant interpretation guidelines (Richards et al. 2015 PMID: 25741868, with internal and published modifications).